The following is an entry in ClinVar:

NM_000092.5(COL4A4):c.4399del (p.Leu1467fs)

Gene: COL4A4 (collagen type IV alpha 4 chain; minus strand). Cytogenetic location: 2q36.3.
Variant type: Deletion.
Coding change: c.4399del on transcript NM_000092.5 (MANE Select); coding-DNA position 4399, one base deleted (C; older notation c.4399delC).
Protein change: p.Leu1467fs; shifts the reading frame from leucine 1467.
Molecular consequence: frameshift variant.
Genome position (GRCh38, 1-based): chr2:227,010,436, G deleted on the plus strand (C on the coding strand, the reverse complement: COL4A4 is on the minus strand); the first of 2 consecutive G bases (chr2:227,010,436-227,010,437); deleting either gives the same sequence. VCF-style (leftmost placement, unchanged base first): chr2-227010435-AG-A. GRCh37 (hg19) VCF-style: chr2-227875151-AG-A.
Other names: short protein forms L1467fs.
Identifiers: ClinVar variation 2856938 (VCV002856938.4), dbSNP rs2472679125, ClinGen allele CA2739278234.
Genomic context (GRCh38, chr2:227,010,435, plus strand): 5'-AGCCTGGGCATGCCCAGGGGGCAGGTGGGCTCCTGGTCCGTCTGACTGTGGAGAACCAGG[AG>A]GAAGCCACCGAGGTATCCAGGGCCAAACCCTTTGGGCCCAGGATCCCCAATGGGACCAGG-3'

ClinVar aggregate classification (germline): Pathogenic/Likely pathogenic. Review status: criteria provided, multiple submitters, no conflicts (2 of 4 stars). 2 submissions from 2 submitters: Pathogenic (1); Likely pathogenic (1). Last evaluated 2024-06-12.

Conditions:
Autosomal recessive Alport syndrome (ATS2). Also called: Alport syndrome type 2; COL4A4 Alport Syndrome and Thin Basement Membrane Nephropathy; ALPORT SYNDROME 2, AUTOSOMAL RECESSIVE; COL4A3-Related Nephropathy. Identifiers: Orphanet 63, Orphanet 88919, MedGen C4746745, MONDO:0008762, OMIM 203780.
Hematuria, benign familial, 1 (BFH1). Also called: THIN MEMBRANE NEPHROPATHY. Identifiers: MedGen CN376803, MONDO:0007709, OMIM 141200.

Submissions (2):

Fulgent Genetics
Classification: Likely pathogenic for Hematuria, benign familial, 1; Autosomal recessive Alport syndrome. Last evaluated: 2024-06-12. Review status: criteria provided, single submitter. Criteria: ACMG Guidelines, 2015. Collection method: clinical testing. Allele origin: germline.

Labcorp Genetics (formerly Invitae), Labcorp
Classification: Pathogenic. Last evaluated: 2023-04-17. Review status: criteria provided, single submitter. Criteria: Invitae Variant Classification Sherloc (09022015). Collection method: clinical testing. Allele origin: germline.
Comment: This sequence change creates a premature translational stop signal (p.Leu1467Serfs*85) in the COL4A4 gene. It is expected to result in an absent or disrupted protein product. Loss-of-function variants in COL4A4 are known to be pathogenic (PMID: 21196518, 24854265, 25307543). This variant is not present in population databases (gnomAD no frequency). This variant has not been reported in the literature in individuals affected with COL4A4-related conditions. For these reasons, this variant has been classified as Pathogenic.

Literature cited by the submitters: PubMed 21196518 (cited by Labcorp Genetics (formerly Invitae), Labcorp); PubMed 24854265 (cited by Labcorp Genetics (formerly Invitae), Labcorp); PubMed 25307543 (cited by Labcorp Genetics (formerly Invitae), Labcorp).